The following is an entry in ClinVar:

NM_000212.3(ITGB3):c.31T>C (p.Trp11Arg)

Gene: ITGB3 (integrin subunit beta 3; plus strand). Cytogenetic location: 17q21.32.
Variant type: single nucleotide variant.
Coding change: c.31T>C on transcript NM_000212.3 (MANE Select); coding-DNA position 31, T replaced by C.
Protein change: p.Trp11Arg; replaces tryptophan 11 with arginine.
Molecular consequence: missense variant.
Genome position (GRCh38, 1-based): chr17:47,253,892, T>C. VCF-style: chr17-47253892-T-C. GRCh37 (hg19) VCF-style: chr17-45331258-T-C.
Other names: short protein forms W11R.
Identifiers: ClinVar variation 953028 (VCV000953028.12), dbSNP rs1022839092, ClinGen allele CA291240306.

ClinVar aggregate classification (germline): Pathogenic. Review status: reviewed by expert panel (3 of 4 stars). 4 submissions from 4 submitters: Pathogenic (1). 3 of the submissions do not count toward it. Last evaluated 2023-11-02.

Conditions:
Myocardial infarction, susceptibility to. Identifiers: MedGen C1832662, MONDO:0012039, OMIM 608446.
Glanzmann thrombasthenia 2. Also called: BLEEDING DISORDER, PLATELET-TYPE, 23. Identifiers: MedGen C5543273, MONDO:0031009, OMIM 619267.
Bleeding disorder, platelet-type, 24. Also called: GLANZMANN THROMBASTHENIA-LIKE WITH MACROTHROMBOCYTOPENIA 2. Identifiers: MedGen C5543280, MONDO:0030996, OMIM 619271.
Glanzmann thrombasthenia. Also called: BLEEDING DISORDER, PLATELET-TYPE, 2; THROMBASTHENIA OF GLANZMANN AND NAEGELI; PLATELET GLYCOPROTEIN IIb-IIIa DEFICIENCY; Glanzmann's thrombasthenia; Thrombasthenia. Identifiers: Orphanet 849, MedGen C0040015, MONDO:0100326.

Allele frequency attached by ClinVar (database versions not stated): gnomAD 0.00001; TOPMed 0.00003; gnomAD exomes 0.00004.
gnomAD v4.1: 45 of 1,321,120 alleles (0.0034%); highest among the groups gnomAD compares: Non-Finnish European, 0.0043%; no homozygotes.

Submissions (4):

ClinGen Platelet Disorders Variant Curation Expert Panel, ClinGen
Classification: Pathogenic for Glanzmann thrombasthenia. Last evaluated: 2023-11-02. Review status: reviewed by expert panel. Criteria: ClinGen Platelet ACMG Specifications v2-1. Collection method: curation. Allele origin: germline. Inheritance: Autosomal recessive inheritance.
Comment: The c.31T>C (p.Trp11Arg) missense variant has been reported in at least 3 probands (PMIDs: 25728920, 28748566, 25373348), at least one of whom (PMID: 25728920) meets criteria for PP4_Strong; including mucocutaneous bleeding, impaired aggregation with all agonists except ristocetin, and reduced surface expression of αIIbβ3 measured by flow cytometry. Two homozygotes (PM3) and one compound heterozygote (with Likely Pathogenic Cys486Trp variant) has been observed. It is absent from controls in gnomADv2.1.1 (PM2_supporting. The expression of αIIbβ3 on the surface of HEK cells was evaluated by flow cytometry and showed no detectable αlIbβ3 protein (PMID: 36122578; PS3). In summary, this variant meets criteria to be classified as pathogenic for autosomal recessive Glanzmann thrombasthenia. GT-specific criteria applied: PS3, PM2_supporting, PM3, and PP4_strong.

Labcorp Genetics (formerly Invitae), Labcorp
Classification: Uncertain significance. Last evaluated: 2026-01-04. Review status: criteria provided, single submitter. Criteria: Invitae Variant Classification Sherloc (09022015). Collection method: clinical testing. Allele origin: germline. Not counted in ClinVar's aggregate classification.
Comment: This sequence change replaces tryptophan, which is neutral and slightly polar, with arginine, which is basic and polar, at codon 11 of the ITGB3 protein (p.Trp11Arg). This variant is not present in population databases (gnomAD no frequency). This missense change has been observed in individual(s) with clinical features of ITGB3 -related bleeding disorders (PMID: 25373348, 25728920, 28748566). ClinVar contains an entry for this variant (Variation ID: 953028). Invitae Evidence Modeling of protein sequence and biophysical properties (such as structural, functional, and spatial information, amino acid conservation, physicochemical variation, residue mobility, and thermodynamic stability) indicates that this missense variant is not expected to disrupt ITGB3 protein function with a negative predictive value of 80%. Experimental studies have shown that this missense change affects ITGB3 function (PMID: 36122578). In summary, the available evidence is currently insufficient to determine the role of this variant in disease. Therefore, it has been classified as a Variant of Uncertain Significance.

Fulgent Genetics
Classification: Likely pathogenic for Myocardial infarction, susceptibility to; Glanzmann thrombasthenia 2; Bleeding disorder, platelet-type, 24. Last evaluated: 2024-04-18. Review status: criteria provided, single submitter. Criteria: ACMG Guidelines, 2015. Collection method: clinical testing. Allele origin: germline. Not counted in ClinVar's aggregate classification.

Women's Health and Genetics/Laboratory Corporation of America, LabCorp
Classification: Likely pathogenic for Glanzmann thrombasthenia 2. Last evaluated: 2024-04-12. Review status: criteria provided, single submitter. Criteria: LabCorp Variant Classification Summary - May 2015. Collection method: clinical testing. Allele origin: germline. Not counted in ClinVar's aggregate classification.
Comment: Variant summary: ITGB3 c.31T>C (p.Trp11Arg) results in a non-conservative amino acid change in the encoded protein sequence. Four of five in-silico tools predict a benign effect of the variant on protein function. The frequency data for this variant in gnomAD is considered unreliable, as metrics indicate poor data quality at this position. c.31T>C has been reported in the literature in individuals affected with Glanzmann Thrombasthenia 2 (Sandrock-Lang_2015, Nurden_2015, Waxman_2022). These data indicate that the variant may be associated with disease. At least one publication reports experimental evidence evaluating an impact on protein function shows that the variant does not affect protein biosynthesis, but affects the transport of the protein to the membrane (Waxman_2022). The following publications have been ascertained in the context of this evaluation (PMID: 25728920, 36122578, 25373348, 27469266). ClinVar contains an entry for this variant (Variation ID: 953028). Based on the evidence outlined above, the variant was classified as likely pathogenic.

Literature cited by the submitters: PubMed 36122578 (cited by 3 submitters); PubMed 25373348 (cited by 3 submitters); PubMed 28748566 (cited by ClinGen Platelet Disorders Variant Curation Expert Panel, ClinGen and Labcorp Genetics (formerly Invitae), Labcorp); PubMed 25728920 (cited by 3 submitters); PubMed 27469266 (cited by Women's Health and Genetics/Laboratory Corporation of America, LabCorp).